The following is an entry in ClinVar:

NM_006270.5(RRAS):c.30_31delinsAA (p.Gly10_Arg11=)

Gene: RRAS (RAS related; minus strand). Cytogenetic location: 19q13.33.
Variant type: Indel.
Coding change: c.30_31delinsAA on transcript NM_006270.5 (MANE Select); coding-DNA positions 30 to 31, GC replaced by AA.
Protein change: p.Gly10_Arg11=.
Molecular consequence: synonymous variant.
Genome position (GRCh38, 1-based): chr19:49,640,068-49,640,069, GC replaced by TT on the plus strand (GC replaced by AA on the coding strand, the reverse complement: RRAS is on the minus strand). VCF-style: chr19-49640068-GC-TT. GRCh37 (hg19) VCF-style: chr19-50143325-GC-TT.
Identifiers: ClinVar variation 4848358 (VCV004848358.1).

ClinVar aggregate classification (germline): Likely benign (1 of 4 stars; one submission).

Submission:

Women's Health and Genetics/Laboratory Corporation of America, LabCorp
Classification: Likely benign. Last evaluated: 2026-04-21. Review status: criteria provided, single submitter. Criteria: LabCorp Variant Classification Summary - May 2015. Collection method: clinical testing. Allele origin: germline.
Comment: Variant summary: RRAS c.30_31delinsAA alters conserved nucleotides resulting in a synonymous change. Consensus agreement among computation tools predict no significant impact on normal splicing. However, these predictions have yet to be confirmed by functional studies. The variant was absent in 21406 control chromosomes. The available data on variant occurrences in the general population are insufficient to allow any conclusion about variant significance. To our knowledge, no occurrence of c.30_31delinsAA in individuals affected with RRAS-related conditions and no experimental evidence demonstrating its impact on protein function have been reported. No submitters have cited clinical-significance assessments for this variant to ClinVar. Based on the evidence outlined above, the variant was classified as likely benign.